The following is an entry in ClinVar:

ClinVar aggregate classification (germline): Benign. Review status: criteria provided, multiple submitters, no conflicts (2 of 4 stars). 2 submissions from 2 submitters: Benign (2). Last evaluated 2018-06-14.

Allele frequency attached by ClinVar (database versions not stated): gnomAD exomes 0.08036 and 0.09024; 1000 Genomes Project 0.08047; 1000 Genomes Project 30x 0.08214; ExAC 0.08374; gnomAD 0.08857 and 0.08874; TOPMed 0.09001; ESP Exome Variant Server 0.09534.
gnomAD v4.1: 145,254 of 1,610,814 alleles (9%); highest among the groups gnomAD compares: Middle Eastern, 13%; 6,990 homozygotes.

Submissions (2):

GeneDx
Classification: Benign. Last evaluated: 2018-06-14. Review status: criteria provided, single submitter. Criteria: GeneDx Variant Classification (06012015). Collection method: clinical testing. Allele origin: germline. Affected: yes.
Comment: This variant is considered likely benign or benign based on one or more of the following criteria: it is a conservative change, it occurs at a poorly conserved position in the protein, it is predicted to be benign by multiple in silico algorithms, and/or has population frequency not consistent with disease.

Breakthrough Genomics
Classification: Benign. Review status: criteria provided, single submitter. Criteria: ACMG Guidelines, 2015. Collection method: not provided. Allele origin: germline. Inheritance: Autosomal recessive inheritance. Affected: yes.

NM_001909.5(CTSD):c.1072-34T>C

Gene: CTSD (cathepsin D; minus strand). Cytogenetic location: 11p15.5.
Variant type: single nucleotide variant.
Coding change: c.1072-34T>C on transcript NM_001909.5 (MANE Select); 34 bases into the intron before coding-DNA position 1072, T replaced by C.
Molecular consequence: intron variant.
Genome position (GRCh38, 1-based): chr11:1,753,704, A>G on the plus strand (T>C on the coding strand, the complement: CTSD is on the minus strand). VCF-style: chr11-1753704-A-G. GRCh37 (hg19) VCF-style: chr11-1774934-A-G.
Identifiers: ClinVar variation 670819 (VCV000670819.2), dbSNP rs112379600, ClinGen allele CA5813908.